The following is an entry in ClinVar:

NM_020433.5(JPH2):c.482C>A (p.Thr161Lys)

Gene: JPH2 (junctophilin 2; minus strand). Cytogenetic location: 20q13.12.
Variant type: single nucleotide variant.
Coding change: c.482C>A on transcript NM_020433.5 (MANE Select); coding-DNA position 482, C replaced by A.
Protein change: p.Thr161Lys; replaces threonine 161 with lysine.
Molecular consequence: missense variant.
Genome position (GRCh38, 1-based): chr20:44,160,305, G>T on the plus strand (C>A on the coding strand, the complement: JPH2 is on the minus strand). VCF-style: chr20-44160305-G-T. GRCh37 (hg19) VCF-style: chr20-42788945-G-T.
Other names: short protein forms T161K.
Identifiers: ClinVar variation 155800 (VCV000155800.11), dbSNP rs587782951, ClinGen allele CA345816.

ClinVar aggregate classification (germline): Pathogenic/Likely pathogenic. Review status: criteria provided, multiple submitters, no conflicts (2 of 4 stars). 3 submissions from 3 submitters: Pathogenic (2); Likely pathogenic (1). Last evaluated 2025-11-24.

Conditions:
JPH2-related disorder. Also called: JPH2-related condition.
Cardiovascular phenotype. Identifiers: MedGen CN230736.
Hypertrophic cardiomyopathy. Also called: HYPERTROPHIC MYOCARDIOPATHY. Identifiers: Orphanet 217569, MedGen C0007194, MeSH D002312, MONDO:0005045, HP:0001639.

Allele frequency attached by ClinVar (database versions not stated): gnomAD exomes below 0.00001.
gnomAD v4.1: 2 of 1,551,868 alleles (0.00013%); no homozygotes.

Submissions (3):

Ambry Genetics
Classification: Likely pathogenic for Cardiovascular phenotype. Last evaluated: 2025-11-24. Review status: criteria provided, single submitter. Criteria: Ambry Variant Classification Scheme 2023. Collection method: clinical testing. Allele origin: germline.
Comment: The p.T161K variant (also known as c.482C>A), located in coding exon 2 of the JPH2 gene, results from a C to A substitution at nucleotide position 482. The threonine at codon 161 is replaced by lysine, an amino acid with similar properties. This variant was reported in individual(s) with features consistent with hypertrophic cardiomyopathy (HCM) and segregated with disease in several families (Vanninen SUM et al. PLoS One, 2018 Sep;13:e0203422; Ambry internal data). This amino acid position is highly conserved in available vertebrate species. In addition, the in silico prediction for this alteration is inconclusive. This variant is considered to be rare based on population cohorts in the Genome Aggregation Database (gnomAD). Based on the majority of available evidence to date, this variant is likely to be pathogenic for autosomal dominant hypertrophic cardiomyopathy; however, its clinical significance for autosomal recessive dilated cardiomyopathy is uncertain.

Blueprint Genetics
Classification: Pathogenic for JPH2-related disorders. Last evaluated: 2024-11-08. Review status: criteria provided, single submitter. Criteria: ACMG Guidelines, 2015. Collection method: clinical testing. Allele origin: germline. Affected: yes. Observed: 5 variant alleles.

Labcorp Genetics (formerly Invitae), Labcorp
Classification: Pathogenic for Hypertrophic cardiomyopathy. Last evaluated: 2022-10-01. Review status: criteria provided, single submitter. Criteria: Invitae Variant Classification Sherloc (09022015). Collection method: clinical testing. Allele origin: germline.
Comment: For these reasons, this variant has been classified as Pathogenic. Algorithms developed to predict the effect of missense changes on protein structure and function are either unavailable or do not agree on the potential impact of this missense change (SIFT: "Tolerated"; PolyPhen-2: "Probably Damaging"; Align-GVGD: "Class C0"). ClinVar contains an entry for this variant (Variation ID: 155800). This missense change has been observed in individuals with hypertrophic cardiomyopathy (PMID: 30235249, 33673806). It has also been observed to segregate with disease in related individuals. This variant is not present in population databases (gnomAD no frequency). This sequence change replaces threonine, which is neutral and polar, with lysine, which is basic and polar, at codon 161 of the JPH2 protein (p.Thr161Lys).

Literature cited by the submitters: PubMed 30235249 (cited by Ambry Genetics and Labcorp Genetics (formerly Invitae), Labcorp); PubMed 33673806 (cited by Labcorp Genetics (formerly Invitae), Labcorp).